The following is an entry in ClinVar:

ClinVar aggregate classification (germline): Uncertain significance. Review status: criteria provided, multiple submitters, no conflicts (2 of 4 stars). 2 submissions from 2 submitters: Uncertain significance (2). Last evaluated 2025-09-11.

Conditions:
Inborn genetic diseases. Identifiers: MedGen C0950123, MeSH D030342.

Allele frequency attached by ClinVar (database versions not stated): ExAC 0.00001; gnomAD exomes 0.00002; gnomAD 0.00003; TOPMed 0.00005.
gnomAD v4.1: 17 of 1,608,612 alleles (0.0011%); highest among the groups gnomAD compares: African/African-American, 0.011%; no homozygotes.

Submissions (2):

Ambry Genetics
Classification: Uncertain significance for Inborn genetic diseases. Last evaluated: 2025-09-11. Review status: criteria provided, single submitter. Criteria: Ambry Variant Classification Scheme 2023. Collection method: clinical testing. Allele origin: germline.

Labcorp Genetics (formerly Invitae), Labcorp
Classification: Uncertain significance. Last evaluated: 2021-08-27. Review status: criteria provided, single submitter. Criteria: Invitae Variant Classification Sherloc (09022015). Collection method: clinical testing. Allele origin: germline.
Comment: This sequence change replaces arginine with cysteine at codon 1152 of the PTPN23 protein (p.Arg1152Cys). The arginine residue is weakly conserved and there is a large physicochemical difference between arginine and cysteine. This variant is present in population databases (rs767617219, ExAC 0.01%). This variant has not been reported in the literature in individuals affected with PTPN23-related conditions. Algorithms developed to predict the effect of missense changes on protein structure and function are either unavailable or do not agree on the potential impact of this missense change (SIFT: "Deleterious"; PolyPhen-2: "Probably Damaging"; Align-GVGD: "Class C0"). In summary, the available evidence is currently insufficient to determine the role of this variant in disease. Therefore, it has been classified as a Variant of Uncertain Significance.

NM_015466.4(PTPN23):c.3454C>T (p.Arg1152Cys)

Gene: PTPN23 (protein tyrosine phosphatase non-receptor type 23; plus strand). Cytogenetic location: 3p21.31.
Variant type: single nucleotide variant.
Coding change: c.3454C>T on transcript NM_015466.4 (MANE Select); coding-DNA position 3454, C replaced by T.
Protein change: p.Arg1152Cys; replaces arginine 1152 with cysteine.
Molecular consequence: missense variant.
Genome position (GRCh38, 1-based): chr3:47,411,252, C>T. VCF-style: chr3-47411252-C-T. GRCh37 (hg19) VCF-style: chr3-47452742-C-T.
Other names: c.3076C>T, p.Arg1026Cys (NM_001304482.2); c.3454C>T (NM_015466.2); short protein forms R1026C, R1152C.
Identifiers: ClinVar variation 1386615 (VCV001386615.6), dbSNP rs767617219, ClinGen allele CA2366281.